The following is an entry in ClinVar:

ClinVar aggregate classification (germline): Uncertain significance (1 of 4 stars; one submission).

Submission:

Ambry Genetics
Classification: Uncertain significance. Last evaluated: 2024-01-11. Review status: criteria provided, single submitter. Criteria: Ambry Variant Classification Scheme 2023. Collection method: clinical testing. Allele origin: germline.
Comment: The p.K1110E variant (also known as c.3328A>G), located in coding exon 29 of the KIF1B gene, results from an A to G substitution at nucleotide position 3328. The lysine at codon 1110 is replaced by glutamic acid, an amino acid with similar properties. This amino acid position is conserved. In addition, this alteration is predicted to be deleterious by in silico analysis. Since supporting evidence is limited at this time, the clinical significance of this alteration remains unclear.

NM_001365951.3(KIF1B):c.3466A>G (p.Lys1156Glu)

Gene: KIF1B (kinesin family member 1B; plus strand). Cytogenetic location: 1p36.22.
Variant type: single nucleotide variant.
Coding change: c.3466A>G on transcript NM_001365951.3 (MANE Select); coding-DNA position 3466, A replaced by G.
Protein change: p.Lys1156Glu; replaces lysine 1156 with glutamic acid.
Molecular consequence: missense variant.
Genome position (GRCh38, 1-based): chr1:10,339,812, A>G. VCF-style: chr1-10339812-A-G. GRCh37 (hg19) VCF-style: chr1-10399870-A-G.
Other names: c.3466A>G, p.Lys1156Glu (NM_001365952.1); c.3328A>G, p.Lys1110Glu (NM_015074.3); short protein forms K1110E, K1156E.
Identifiers: ClinVar variation 3226451 (VCV003226451.1), dbSNP rs2521737975, ClinGen allele CA338341051.